The following is an entry in ClinVar:

ClinVar aggregate classification (germline): Uncertain significance (1 of 4 stars; one submission).

Conditions:
ZNF81-related disorder. Also called: ZNF81-related condition.

Submission:

PreventionGenetics, part of Exact Sciences
Classification: Uncertain significance for ZNF81-related condition. Last evaluated: 2026-02-09. Review status: criteria provided, single submitter. Criteria: ACMG Guidelines, 2015. Collection method: clinical testing. Allele origin: germline.
Comment: The ZNF81 c.1732A>T variant is predicted to result in the amino acid substitution p.Thr578Ser. To our knowledge, this variant has not been reported in the literature or in a large population database (gnomAD), indicating this variant is rare. At this time, the clinical significance of this variant is uncertain due to the absence of conclusive functional and genetic evidence.

NM_007137.5(ZNF81):c.1732A>T (p.Thr578Ser)

Gene: ZNF81 (zinc finger protein 81; plus strand). Cytogenetic location: Xp11.23.
Variant type: single nucleotide variant.
Coding change: c.1732A>T on transcript NM_007137.5 (MANE Select); coding-DNA position 1732, A replaced by T.
Protein change: p.Thr578Ser; replaces threonine 578 with serine.
Molecular consequence: missense variant. On other transcripts: intron variant (2).
Genome position (GRCh38, 1-based): chrX:47,916,378, A>T. VCF-style: chrX-47916378-A-T. GRCh37 (hg19) VCF-style: chrX-47775777-A-T.
Other names: c.1732A>T, p.Thr578Ser (NM_001378152.1, NM_001378153.1); c.278-7546A>T (NM_001378154.1); c.278-4930A>T (NM_001378155.1); short protein forms T578S.
Identifiers: ClinVar variation 4995270 (VCV004995270.1).